The following is an entry in ClinVar:

ClinVar aggregate classification (germline): Likely pathogenic (1 of 4 stars; one submission).

Conditions:
Autosomal recessive limb-girdle muscular dystrophy. Identifiers: Orphanet 102015, MedGen C2931907, MONDO:0015152.

Submission:

Myriad Genetics, Inc.
Classification: Likely pathogenic for Autosomal recessive limb-girdle muscular dystrophy. Last evaluated: 2020-02-09. Review status: criteria provided, single submitter. Criteria: Myriad Autosomal Dominant, Autosomal Recessive and X-Linked Classification Criteria (2023). Collection method: clinical testing. Allele origin: unknown.
Comment: NM_003494.3(DYSF):c.4882G>T(G1628*) is expected to be pathogenic in the context of dysferlinopathy. This variant is predicted to lead to an abnormal or absent protein product due to the creation of a premature termination codon in DYSF, a gene where loss-of-function variants are known to be pathogenic. Please note: this variant was assessed in the context of healthy population screening.

NM_001130987.2(DYSF):c.4999G>T (p.Gly1667Ter)

Gene: DYSF (dysferlin; plus strand). Cytogenetic location: 2p13.2.
Variant type: single nucleotide variant.
Coding change: c.4999G>T on transcript NM_001130987.2 (MANE Select); coding-DNA position 4999, G replaced by T.
Protein change: p.Gly1667Ter; replaces glycine 1667 with a stop codon.
Molecular consequence: nonsense.
Genome position (GRCh38, 1-based): chr2:71,660,647, G>T. VCF-style: chr2-71660647-G-T. GRCh37 (hg19) VCF-style: chr2-71887777-G-T.
Other names: c.4885G>T, p.Gly1629Ter (NM_001130455.2); c.4840G>T, p.Gly1614Ter (NM_001130976.2); c.4903G>T, p.Gly1635Ter (NM_001130977.2); c.4945G>T, p.Gly1649Ter (NM_001130978.2); c.4975G>T, p.Gly1659Ter (NM_001130979.2); c.4933G>T, p.Gly1645Ter (NM_001130980.2); c.4996G>T, p.Gly1666Ter (NM_001130981.2); c.4978G>T, p.Gly1660Ter (NM_001130982.2); and 5 more; short protein forms G1614*, G1615*, G1628*, G1629*, G1635*, G1636*, G1645*, G1646*.
Identifiers: ClinVar variation 984126 (VCV000984126.4), dbSNP rs868779799, ClinGen allele CA347220121.
Genomic context (GRCh38, chr2:71,660,647, plus strand): 5'-GGGAAGAAATCAGTGAGTGACCAGGATAACTACATCCCCTGCACGCTGGAGCCCGTATTT[G>T]GAAAGTAAATTGGGGCATCTTGGGTCTTGGGGTGGAGGAGCCAGACAGGATAACCCACAG-3'